The following is an entry in ClinVar:

NM_001127222.2(CACNA1A):c.7457G>A (p.Arg2486His)

Gene: CACNA1A (calcium voltage-gated channel subunit alpha1 A; minus strand). Cytogenetic location: 19p13.13.
Variant type: single nucleotide variant.
Coding change: c.7457G>A on transcript NM_001127222.2 (MANE Select); coding-DNA position 7457, G replaced by A.
Protein change: p.Arg2486His; replaces arginine 2486 with histidine.
Molecular consequence: missense variant. On other transcripts: 3 prime UTR variant (3).
Genome position (GRCh38, 1-based): chr19:13,207,377, C>T on the plus strand (G>A on the coding strand, the complement: CACNA1A is on the minus strand). VCF-style: chr19-13207377-C-T. GRCh37 (hg19) VCF-style: chr19-13318191-C-T.
Other names: c.*669G>A (NM_000068.4, NM_001127221.2, NM_001174080.2); c.7475G>A, p.Arg2492His (NM_023035.3); short protein forms R2486H, R2492H.
Identifiers: ClinVar variation 3571856 (VCV003571856.3).
Genomic context (GRCh38, chr19:13,207,377, plus strand): 5'-CACCAATCATCGTCACTCTCGCTGTAGGGTTCGTGCAGGCCCTTCCTGGAGCCCGGCCCG[C>T]GGGGCCTGGCCAGTCCGTGCGCCGGGTAGTAGCCGTTGGGGAGTCGCCGGCCGTGCCGAG-3'
Protein context (NP_001120694.1, residues 2476-2496): YYPAHGLARP[Arg2486His]GPGSRKGLHE

ClinVar aggregate classification (germline): Uncertain significance. Review status: criteria provided, multiple submitters, no conflicts (2 of 4 stars). 3 submissions from 3 submitters: Uncertain significance (3). Last evaluated 2024-09-30.

Conditions:
Developmental and epileptic encephalopathy, 42 (DEE42A). Also called: Epileptic encephalopathy, early infantile, 42; DEVELOPMENTAL AND EPILEPTIC ENCEPHALOPATHY 42A; EPILEPTIC ENCEPHALOPATHY, EARLY INFANTILE, 42A. Identifiers: MedGen C4310716, MONDO:0014917, OMIM 617106.

gnomAD v4.1: 14 of 1,546,308 alleles (0.00091%); highest among the groups gnomAD compares: Admixed American, 0.0038%; no homozygotes.

Submissions (3):

Athena Diagnostics
Classification: Uncertain significance. Last evaluated: 2024-09-30. Review status: criteria provided, single submitter. Criteria: Athena Diagnostics Criteria. Collection method: clinical testing. Allele origin: unknown.
Comment: Available data are insufficient to determine the clinical significance of the variant at this time. The frequency of this variant in the general population is uninformative in assessment of its pathogenicity. Polyphen and MutationTaster predict this amino acid change may be benign.

Neuberg Centre For Genomic Medicine, NCGM
Classification: Uncertain significance for Developmental and epileptic encephalopathy, 42. Last evaluated: 2024-02-01. Review status: criteria provided, single submitter. Criteria: ACMG Guidelines, 2015. Collection method: clinical testing. Allele origin: germline. Inheritance: Autosomal dominant inheritance.
Comment: The above variant in CACNA1A gene has not been reported previously as a pathogenic variant nor as a benign variant, to our knowledge

Blueprint Genetics
Classification: Uncertain significance. Last evaluated: 2020-04-21. Review status: criteria provided, single submitter. Criteria: ACMG Guidelines, 2015. Collection method: clinical testing. Allele origin: germline.